The following is an entry in ClinVar:

ClinVar aggregate classification (germline): Uncertain significance (1 of 4 stars; one submission).

Conditions:
Familial hemiplegic migraine. Identifiers: MedGen C0338484, MONDO:0000700.

gnomAD v4.1: 1 of 1,613,916 alleles (0.000062%); highest among the groups gnomAD compares: Non-Finnish European, 0.000085%; no homozygotes.

Submission:

Labcorp Genetics (formerly Invitae), Labcorp
Classification: Uncertain significance for Familial hemiplegic migraine. Last evaluated: 2024-04-25. Review status: criteria provided, single submitter. Criteria: Invitae Variant Classification Sherloc (09022015). Collection method: clinical testing. Allele origin: germline.
Comment: This sequence change replaces valine, which is neutral and non-polar, with leucine, which is neutral and non-polar, at codon 759 of the ATP1A2 protein (p.Val759Leu). This variant is not present in population databases (gnomAD no frequency). This variant has not been reported in the literature in individuals affected with ATP1A2-related conditions. ClinVar contains an entry for this variant (Variation ID: 460301). Advanced modeling of protein sequence and biophysical properties (such as structural, functional, and spatial information, amino acid conservation, physicochemical variation, residue mobility, and thermodynamic stability) has been performed at Invitae for this missense variant, however the output from this modeling did not meet the statistical confidence thresholds required to predict the impact of this variant on ATP1A2 protein function. In summary, the available evidence is currently insufficient to determine the role of this variant in disease. Therefore, it has been classified as a Variant of Uncertain Significance.

NM_000702.4(ATP1A2):c.2275G>T (p.Val759Leu)

Gene: ATP1A2 (ATPase Na+/K+ transporting subunit alpha 2; plus strand). Cytogenetic location: 1q23.2.
Variant type: single nucleotide variant.
Coding change: c.2275G>T on transcript NM_000702.4 (MANE Select); coding-DNA position 2275, G replaced by T.
Protein change: p.Val759Leu; replaces valine 759 with leucine.
Molecular consequence: missense variant.
Genome position (GRCh38, 1-based): chr1:160,135,593, G>T. VCF-style: chr1-160135593-G-T. GRCh37 (hg19) VCF-style: chr1-160105383-G-T.
Other names: short protein forms V759L.
Identifiers: ClinVar variation 460301 (VCV000460301.8), dbSNP rs1553245779, ClinGen allele CA343249636.